The following is an entry in ClinVar:

ClinVar aggregate classification (germline): Uncertain significance (1 of 4 stars; one submission).

Conditions:
Birt-Hogg-Dube syndrome. Also called: Birt Hogg Dubé syndrome. Identifiers: Orphanet 122, MedGen C0346010, MONDO:0800444.

Submission:

Labcorp Genetics (formerly Invitae), Labcorp
Classification: Uncertain significance for Birt-Hogg-Dube syndrome. Last evaluated: 2023-07-21. Review status: criteria provided, single submitter. Criteria: Invitae Variant Classification Sherloc (09022015). Collection method: clinical testing. Allele origin: germline.
Comment: Variants that disrupt the consensus splice site are a relatively common cause of aberrant splicing (PMID: 17576681, 9536098). This sequence change falls in intron 9 of the FLCN gene. It does not directly change the encoded amino acid sequence of the FLCN protein. It affects a nucleotide within the consensus splice site. Information on the frequency of this variant in the gnomAD database is not available, as this variant may be reported differently in the database. This variant has not been reported in the literature in individuals affected with FLCN-related conditions. ClinVar contains an entry for this variant (Variation ID: 2096143). In summary, the available evidence is currently insufficient to determine the role of this variant in disease. Therefore, it has been classified as a Variant of Uncertain Significance.

Literature cited by the submitters: PubMed 17576681; PubMed 9536098.

NM_144997.7(FLCN):c.1062+5_1062+6delinsAT

Gene: FLCN (folliculin; minus strand). Cytogenetic location: 17p11.2.
Variant type: Indel.
Coding change: c.1062+5_1062+6delinsAT on transcript NM_144997.7 (MANE Select); bases 5 to 6 of the intron after coding-DNA position 1062, GC replaced by AT.
Molecular consequence: intron variant.
Genome position (GRCh38, 1-based): chr17:17,219,013-17,219,014, GC replaced by AT on the plus strand (GC replaced by AT on the coding strand, the reverse complement: FLCN is on the minus strand). VCF-style: chr17-17219013-GC-AT. GRCh37 (hg19) VCF-style: chr17-17122327-GC-AT.
Other names: c.1062+5_1062+6delinsAT (NM_001353231.2, NM_001353230.2); c.1116+5_1116+6delinsAT (NM_001353229.2).
Identifiers: ClinVar variation 2096143 (VCV002096143.4), dbSNP rs2144892935, ClinGen allele CA2580092608.